The following is an entry in ClinVar:

ClinVar aggregate classification (germline): Likely pathogenic (1 of 4 stars; one submission).

Conditions:
Wilson disease (WND). Also called: Wilson's disease. Identifiers: Orphanet 905, MedGen C0019202, MONDO:0010200, OMIM 277900. Disease mechanism: loss of function.

Submission:

Myriad Genetics, Inc.
Classification: Likely pathogenic for Wilson disease. Last evaluated: 2019-12-22. Review status: criteria provided, single submitter. Criteria: Myriad Women's Health Autosomal Recessive and X-Linked Classification Criteria (2019). Collection method: clinical testing. Allele origin: unknown.
Comment: NM_000053.3(ATP7B):c.229G>T(E77*) is expected to be pathogenic in the context of Wilson disease. This variant is predicted to lead to an abnormal or absent protein product due to the creation of a premature termination codon in ATP7B, a gene where loss-of-function variants are known to be pathogenic. Please note: this variant was assessed in the context of healthy population screening.

NM_000053.4(ATP7B):c.229G>T (p.Glu77Ter)

Gene: ATP7B (ATPase copper transporting beta; minus strand). Cytogenetic location: 13q14.3.
Variant type: single nucleotide variant.
Coding change: c.229G>T on transcript NM_000053.4 (MANE Select); coding-DNA position 229, G replaced by T.
Protein change: p.Glu77Ter; replaces glutamic acid 77 with a stop codon.
Molecular consequence: nonsense.
Genome position (GRCh38, 1-based): chr13:51,974,991, C>A on the plus strand (G>T on the coding strand, the complement: ATP7B is on the minus strand). VCF-style: chr13-51974991-C-A. GRCh37 (hg19) VCF-style: chr13-52549127-C-A.
Other names: c.229G>T, p.Glu77Ter (NM_001330579.2, NM_001005918.3, NM_001243182.2 and 1 more transcripts); short protein forms E77*.
Identifiers: ClinVar variation 983827 (VCV000983827.3), dbSNP rs1952034577, ClinGen allele CA388044858.
Genomic context (GRCh38, chr13:51,974,991, plus strand): 5'-TGCCTTGTTCCAGGGAAACCTTCATGCTGATGATGCCTTTCAAATTGGAAATCCTGTCCT[C>A]AATGGACTTCACACATGACTGGCAAGTCATGCCCAAGATCCTGACTGTGCTGGTGGCCAC-3'